The following is an entry in ClinVar:

NM_006415.4(SPTLC1):c.900T>G (p.Ile300Met)

Gene: SPTLC1 (serine palmitoyltransferase long chain base subunit 1; minus strand). Cytogenetic location: 9q22.31.
Variant type: single nucleotide variant.
Coding change: c.900T>G on transcript NM_006415.4 (MANE Select); coding-DNA position 900, T replaced by G.
Protein change: p.Ile300Met; replaces isoleucine 300 with methionine.
Molecular consequence: missense variant.
Genome position (GRCh38, 1-based): chr9:92,047,697, A>C on the plus strand (T>G on the coding strand, the complement: SPTLC1 is on the minus strand). VCF-style: chr9-92047697-A-C. GRCh37 (hg19) VCF-style: chr9-94809979-A-C.
Other names: c.900T>G, p.Ile300Met (NM_001281303.2); c.534T>G, p.Ile178Met (NM_001368272.1); c.435T>G, p.Ile145Met (NM_001368273.1); short protein forms I300M, I178M, I145M.
Identifiers: ClinVar variation 4737755 (VCV004737755.1).

ClinVar aggregate classification (germline): Uncertain significance (1 of 4 stars; one submission).

Conditions:
Hereditary sensory and autonomic neuropathy type 1 (HSAN1). Also called: HSAN 1; HSN Type I; Hereditary Sensory Neuropathy Type I. Identifiers: Orphanet 36386, MedGen C0020071, MONDO:0018213.

gnomAD v4.1: 3 of 1,611,830 alleles (0.00019%); highest among the groups gnomAD compares: Admixed American, 0.005%; no homozygotes.

Submission:

Labcorp Genetics (formerly Invitae), Labcorp
Classification: Uncertain significance for Hereditary sensory and autonomic neuropathy type 1. Last evaluated: 2025-09-27. Review status: criteria provided, single submitter. Criteria: Invitae Variant Classification Sherloc (09022015). Collection method: clinical testing. Allele origin: germline.
Comment: This sequence change replaces isoleucine, which is neutral and non-polar, with methionine, which is neutral and non-polar, at codon 300 of the SPTLC1 protein (p.Ile300Met). This variant is not present in population databases (gnomAD no frequency). This variant has not been reported in the literature in individuals affected with SPTLC1-related conditions. Invitae Evidence Modeling of protein sequence and biophysical properties (such as structural, functional, and spatial information, amino acid conservation, physicochemical variation, residue mobility, and thermodynamic stability) has been performed for this missense variant. However, the output from this modeling did not meet the statistical confidence thresholds required to predict the impact of this variant on SPTLC1 protein function. In summary, the available evidence is currently insufficient to determine the role of this variant in disease. Therefore, it has been classified as a Variant of Uncertain Significance.